The following is an entry in ClinVar:

ClinVar aggregate classification (germline): Uncertain significance. Review status: criteria provided, multiple submitters, no conflicts (2 of 4 stars). 2 submissions from 2 submitters: Uncertain significance (2). Last evaluated 2026-04-01.

Conditions:
Primary ciliary dyskinesia. Also called: Ciliary dyskinesia. Identifiers: Orphanet 244, MedGen C0008780, MONDO:0016575, HP:0012265.

Allele frequency attached by ClinVar (database versions not stated): gnomAD 0.00005; ExAC 0.00007; ESP Exome Variant Server 0.00008; TOPMed 0.00011.
gnomAD v4.1: 111 of 1,612,670 alleles (0.0069%); highest among the groups gnomAD compares: Non-Finnish European, 0.006%; no homozygotes.

Submissions (2):

Department of Human Genetics, Hannover Medical School
Classification: Uncertain significance for Primary Ciliary Dyskinesia. Last evaluated: 2026-04-01. Review status: criteria provided, single submitter. Criteria: ACMG Guidelines, 2015. Collection method: research. Allele origin: germline. Affected: no.
Comment: Classification performed by HerediClassify using the following criteria:['PM2_supporting: Variant occures does not occur as homozygous in gnomAD.', 'PP3_protein_supporting: Variant is predicted to be pathogenic by REVEL with evidence strength supporting meeting a threshold of 0.644 (value: 0.68).', "PP4_moderate: The modified PICADAR socre of 8.0 exceeds threshold of 5 achieving 'strong' evidence strength."]

Ambry Genetics
Classification: Uncertain significance. Last evaluated: 2023-12-16. Review status: criteria provided, single submitter. Criteria: Ambry Variant Classification Scheme 2023. Collection method: clinical testing. Allele origin: germline.

NM_018897.3(DNAH7):c.5440C>T (p.Arg1814Trp)

Gene: DNAH7 (dynein axonemal heavy chain 7; minus strand). Cytogenetic location: 2q32.3.
Variant type: single nucleotide variant.
Coding change: c.5440C>T on transcript NM_018897.3 (MANE Select); coding-DNA position 5440, C replaced by T.
Protein change: p.Arg1814Trp; replaces arginine 1814 with tryptophan.
Molecular consequence: missense variant.
Genome position (GRCh38, 1-based): chr2:195,886,239, G>A on the plus strand (C>T on the coding strand, the complement: DNAH7 is on the minus strand). VCF-style: chr2-195886239-G-A. GRCh37 (hg19) VCF-style: chr2-196750963-G-A.
Other names: short protein forms R1814W.
Identifiers: ClinVar variation 3084112 (VCV003084112.2), dbSNP rs369356816, ClinGen allele CA2035399.